The following is an entry in ClinVar:

NM_080632.3(UPF3B):c.190A>G (p.Lys64Glu)

Gene: UPF3B (UPF3B regulator of nonsense mediated mRNA decay; minus strand). Cytogenetic location: Xq24.
Variant type: single nucleotide variant.
Coding change: c.190A>G on transcript NM_080632.3 (MANE Select); coding-DNA position 190, A replaced by G.
Protein change: p.Lys64Glu; replaces lysine 64 with glutamic acid.
Molecular consequence: missense variant.
Genome position (GRCh38, 1-based): chrX:119,851,840, T>C on the plus strand (A>G on the coding strand, the complement: UPF3B is on the minus strand). VCF-style: chrX-119851840-T-C. GRCh37 (hg19) VCF-style: chrX-118985803-T-C.
Other names: c.190A>G, p.Lys64Glu (NM_023010.4); short protein forms K64E.
Identifiers: ClinVar variation 2699062 (VCV002699062.3), dbSNP rs2521577022, ClinGen allele CA414185645.

ClinVar aggregate classification (germline): Uncertain significance (1 of 4 stars; one submission).

Conditions:
Intellectual developmental disorder, X-linked, syndromic 14. Also called: Syndromic X-linked intellectual disability 14. Identifiers: Orphanet 776, MedGen C1970822, MONDO:0010398, OMIM 300676.

Submission:

Labcorp Genetics (formerly Invitae), Labcorp
Classification: Uncertain significance for Intellectual developmental disorder, X-linked, syndromic 14. Last evaluated: 2024-12-23. Review status: criteria provided, single submitter. Criteria: Invitae Variant Classification Sherloc (09022015). Collection method: clinical testing. Allele origin: germline.
Comment: This sequence change replaces lysine, which is basic and polar, with glutamic acid, which is acidic and polar, at codon 64 of the UPF3B protein (p.Lys64Glu). This variant is not present in population databases (gnomAD no frequency). This variant has not been reported in the literature in individuals affected with UPF3B-related conditions. ClinVar contains an entry for this variant (Variation ID: 2699062). Invitae Evidence Modeling of protein sequence and biophysical properties (such as structural, functional, and spatial information, amino acid conservation, physicochemical variation, residue mobility, and thermodynamic stability) indicates that this missense variant is not expected to disrupt UPF3B protein function with a negative predictive value of 80%. In summary, the available evidence is currently insufficient to determine the role of this variant in disease. Therefore, it has been classified as a Variant of Uncertain Significance.